The following is an entry in ClinVar:

ClinVar aggregate classification (germline): Uncertain significance. Review status: criteria provided, multiple submitters, no conflicts (2 of 4 stars). 2 submissions from 2 submitters: Uncertain significance (2). Last evaluated 2024-07-27.

Conditions:
Primary ciliary dyskinesia 33. Also called: CILIARY DYSKINESIA, PRIMARY, 33, WITHOUT SITUS INVERSUS. Identifiers: Orphanet 244, MedGen C4225230, MONDO:0014750, OMIM 616726.
Inborn genetic diseases. Identifiers: MedGen C0950123, MeSH D030342.

Allele frequency attached by ClinVar (database versions not stated): gnomAD exomes 0.00002 and 0.00005; ExAC 0.00006; 1000 Genomes Project 30x 0.00016; gnomAD 0.00018 and 0.00020; 1000 Genomes Project 0.00020; TOPMed 0.00025; ESP Exome Variant Server 0.00046.
gnomAD v4.1: 66 of 1,613,808 alleles (0.0041%); highest among the groups gnomAD compares: African/African-American, 0.08%; no homozygotes.

Submissions (2):

Ambry Genetics
Classification: Uncertain significance for Inborn genetic diseases. Last evaluated: 2024-07-27. Review status: criteria provided, single submitter. Criteria: Ambry Variant Classification Scheme 2023. Collection method: clinical testing. Allele origin: germline.

Labcorp Genetics (formerly Invitae), Labcorp
Classification: Uncertain significance for Primary ciliary dyskinesia 33. Last evaluated: 2021-09-04. Review status: criteria provided, single submitter. Criteria: Invitae Variant Classification Sherloc (09022015). Collection method: clinical testing. Allele origin: germline.
Comment: This sequence change replaces aspartic acid with asparagine at codon 419 of the GAS8 protein (p.Asp419Asn). The aspartic acid residue is highly conserved and there is a small physicochemical difference between aspartic acid and asparagine. This variant is present in population databases (rs146370084, ExAC 0.06%). This variant has not been reported in the literature in individuals affected with GAS8-related conditions. Algorithms developed to predict the effect of missense changes on protein structure and function are either unavailable or do not agree on the potential impact of this missense change (SIFT: "Tolerated"; PolyPhen-2: "Possibly Damaging"; Align-GVGD: "Class C0"). In summary, the available evidence is currently insufficient to determine the role of this variant in disease. Therefore, it has been classified as a Variant of Uncertain Significance.

NM_001481.3(DRC4):c.1255G>A (p.Asp419Asn)

Gene: DRC4 (dynein regulatory complex subunit 4; plus strand). Cytogenetic location: 16q24.3.
Variant type: single nucleotide variant.
Coding change: c.1255G>A on transcript NM_001481.3 (MANE Select); coding-DNA position 1255, G replaced by A.
Protein change: p.Asp419Asn; replaces aspartic acid 419 with asparagine.
Molecular consequence: missense variant.
Genome position (GRCh38, 1-based): chr16:90,042,503, G>A. VCF-style: chr16-90042503-G-A. GRCh37 (hg19) VCF-style: chr16-90108911-G-A.
Other names: c.1006G>A, p.Asp336Asn (NM_001286205.2); c.679G>A, p.Asp227Asn (NM_001286208.2); c.1180G>A, p.Asp394Asn (NM_001286209.2); short protein forms D394N, D419N, D227N, D336N.
Identifiers: ClinVar variation 570987 (VCV000570987.6), dbSNP rs146370084, ClinGen allele CA8258188.